The following is an entry in ClinVar:

ClinVar aggregate classification (germline): Uncertain significance (1 of 4 stars; one submission).

gnomAD v4.1: 2 of 1,613,866 alleles (0.00012%); highest among the groups gnomAD compares: Admixed American, 0.0017%; no homozygotes.

Submission:

GeneDx
Classification: Uncertain significance. Last evaluated: 2024-12-26. Review status: criteria provided, single submitter. Criteria: GeneDx Variant Classification Process June 2021. Collection method: clinical testing. Allele origin: germline. Affected: yes.
Comment: Not observed at significant frequency in large population cohorts (gnomAD); In silico analysis supports that this missense variant has a deleterious effect on protein structure/function; Has not been previously published as pathogenic or benign to our knowledge

NM_001429.4(EP300):c.906G>A (p.Met302Ile)

Gene: EP300 (EP300 lysine acetyltransferase; plus strand). Cytogenetic location: 22q13.2.
Variant type: single nucleotide variant.
Coding change: c.906G>A on transcript NM_001429.4 (MANE Select); coding-DNA position 906, G replaced by A.
Protein change: p.Met302Ile; replaces methionine 302 with isoleucine.
Molecular consequence: missense variant.
Genome position (GRCh38, 1-based): chr22:41,126,040, G>A. VCF-style: chr22-41126040-G-A. GRCh37 (hg19) VCF-style: chr22-41522044-G-A.
Other names: c.906G>A, p.Met302Ile (NM_001362843.2); short protein forms M302I.
Identifiers: ClinVar variation 3907958 (VCV003907958.1).